The following is an entry in ClinVar:

NM_006231.4(POLE):c.721G>T (p.Ala241Ser)

Gene: POLE (DNA polymerase epsilon, catalytic subunit; minus strand). Cytogenetic location: 12q24.33.
Variant type: single nucleotide variant.
Coding change: c.721G>T on transcript NM_006231.4 (MANE Select); coding-DNA position 721, G replaced by T.
Protein change: p.Ala241Ser; replaces alanine 241 with serine.
Molecular consequence: missense variant.
Genome position (GRCh38, 1-based): chr12:132,677,443, C>A on the plus strand (G>T on the coding strand, the complement: POLE is on the minus strand). VCF-style: chr12-132677443-C-A. GRCh37 (hg19) VCF-style: chr12-133254029-C-A.
Other names: c.721G>T (NM_006231.2); short protein forms A241S.
Identifiers: ClinVar variation 2005212 (VCV002005212.5), dbSNP rs2542177276, ClinGen allele CA387364565.

ClinVar aggregate classification (germline): Uncertain significance. Review status: criteria provided, multiple submitters, no conflicts (2 of 4 stars). 2 submissions from 2 submitters: Uncertain significance (2). Last evaluated 2025-07-10.

Conditions:
Hereditary cancer-predisposing syndrome. Also called: Hereditary neoplastic syndrome; Hereditary Cancer Syndrome; Tumor predisposition; Neoplastic Syndromes, Hereditary. Identifiers: Orphanet 140162, MedGen C0027672, MeSH D009386, MONDO:0015356.

Submissions (2):

Ambry Genetics
Classification: Uncertain significance for Hereditary cancer-predisposing syndrome. Last evaluated: 2025-07-10. Review status: criteria provided, single submitter. Criteria: Ambry Variant Classification Scheme 2023. Collection method: clinical testing. Allele origin: germline.
Comment: The p.A241S variant (also known as c.721G>T) is located in coding exon 8 of the POLE gene. The alanine at codon 241 is replaced by serine, an amino acid with similar properties. This change occurs in the first base pair of coding exon 8. This amino acid position is conserved. In addition, this alteration is predicted to be tolerated by in silico analysis. Based on the available evidence, the clinical significance of this variant remains unclear.

Labcorp Genetics (formerly Invitae), Labcorp
Classification: Uncertain significance. Last evaluated: 2022-06-12. Review status: criteria provided, single submitter. Criteria: Invitae Variant Classification Sherloc (09022015). Collection method: clinical testing. Allele origin: germline.
Comment: This sequence change replaces alanine, which is neutral and non-polar, with serine, which is neutral and polar, at codon 241 of the POLE protein (p.Ala241Ser). This variant is not present in population databases (gnomAD no frequency). In summary, the available evidence is currently insufficient to determine the role of this variant in disease. Therefore, it has been classified as a Variant of Uncertain Significance. Algorithms developed to predict the effect of sequence changes on RNA splicing suggest that this variant may disrupt the consensus splice site. Algorithms developed to predict the effect of missense changes on protein structure and function are either unavailable or do not agree on the potential impact of this missense change (SIFT: "Tolerated"; PolyPhen-2: "Possibly Damaging"; Align-GVGD: "Class C0"). This variant has not been reported in the literature in individuals affected with POLE-related conditions.